The following is an entry in ClinVar:

NM_001077653.2(TBX20):c.206G>C (p.Gly69Ala)

Gene: TBX20 (T-box transcription factor 20; minus strand). Cytogenetic location: 7p14.2.
Variant type: single nucleotide variant.
Coding change: c.206G>C on transcript NM_001077653.2 (MANE Select); coding-DNA position 206, G replaced by C.
Protein change: p.Gly69Ala; replaces glycine 69 with alanine.
Molecular consequence: missense variant.
Genome position (GRCh38, 1-based): chr7:35,250,125, C>G on the plus strand (G>C on the coding strand, the complement: TBX20 is on the minus strand). VCF-style: chr7-35250125-C-G. GRCh37 (hg19) VCF-style: chr7-35289737-C-G.
Other names: c.206G>C, p.Gly69Ala (NM_001166220.1); short protein forms G69A.
Identifiers: ClinVar variation 1504842 (VCV001504842.6), dbSNP rs2128716158, ClinGen allele CA367265262.

ClinVar aggregate classification (germline): Uncertain significance (1 of 4 stars; one submission).

Submission:

Labcorp Genetics (formerly Invitae), Labcorp
Classification: Uncertain significance. Last evaluated: 2021-09-15. Review status: criteria provided, single submitter. Criteria: Invitae Variant Classification Sherloc (09022015). Collection method: clinical testing. Allele origin: germline.
Comment: This sequence change replaces glycine with alanine at codon 69 of the TBX20 protein (p.Gly69Ala). The glycine residue is moderately conserved and there is a small physicochemical difference between glycine and alanine. This variant is not present in population databases (ExAC no frequency). This variant has not been reported in the literature in individuals affected with TBX20-related conditions. Algorithms developed to predict the effect of missense changes on protein structure and function (SIFT, PolyPhen-2, Align-GVGD) all suggest that this variant is likely to be tolerated. In summary, the available evidence is currently insufficient to determine the role of this variant in disease. Therefore, it has been classified as a Variant of Uncertain Significance.